The following is an entry in ClinVar:

NM_000138.5(FBN1):c.511G>A (p.Gly171Arg)

Gene: FBN1 (fibrillin 1; minus strand). Cytogenetic location: 15q21.1.
Variant type: single nucleotide variant.
Coding change: c.511G>A on transcript NM_000138.5 (MANE Select); coding-DNA position 511, G replaced by A.
Protein change: p.Gly171Arg; replaces glycine 171 with arginine.
Molecular consequence: missense variant.
Genome position (GRCh38, 1-based): chr15:48,596,310, C>T on the plus strand (G>A on the coding strand, the complement: FBN1 is on the minus strand). VCF-style: chr15-48596310-C-T. GRCh37 (hg19) VCF-style: chr15-48888507-C-T.
Other names: short protein forms G171R.
Identifiers: ClinVar variation 581628 (VCV000581628.10), dbSNP rs1566934693, ClinGen allele CA392446280.

ClinVar aggregate classification (germline): Uncertain significance. Review status: criteria provided, multiple submitters, no conflicts (2 of 4 stars). 2 submissions from 2 submitters: Uncertain significance (2). Last evaluated 2024-10-09.

Conditions:
Familial thoracic aortic aneurysm and aortic dissection (TAAD). Also called: Thoracic aortic aneurysms and dissections. Identifiers: Orphanet 91387, MedGen C4707243, MONDO:0019625.
Marfan syndrome (MFS). Also called: FBN1-Related Marfan Syndrome; Marfan syndrome type 1; Marfan's syndrome; Marfan syndrome, classic; MARFAN SYNDROME, TYPE I. Identifiers: Orphanet 284963, Orphanet 558, MedGen C0024796, MONDO:0007947, OMIM 154700.

Submissions (2):

Dasa
Classification: Uncertain significance. Last evaluated: 2024-10-09. Review status: criteria provided, single submitter. Criteria: DASA Assertion Criteria. Collection method: clinical testing. Allele origin: germline.
Comment: NM_000138.5(FBN1):c.511G>A (p.Gly171Arg) is a missense variant that results in the substitution of glycine with arginine. This variant is rare in population databases. Computational prediction algorithms are consistent with a deleterious effect. The currently available literature and clinical evidence are not sufficient to establish a definitive association between this variant and the reported condition. Therefore, this variant is classified as a variant of uncertain significance.

Labcorp Genetics (formerly Invitae), Labcorp
Classification: Uncertain significance for Marfan syndrome; Familial thoracic aortic aneurysm and aortic dissection. Last evaluated: 2023-12-05. Review status: criteria provided, single submitter. Criteria: Invitae Variant Classification Sherloc (09022015). Collection method: clinical testing. Allele origin: germline.
Comment: This sequence change replaces glycine, which is neutral and non-polar, with arginine, which is basic and polar, at codon 171 of the FBN1 protein (p.Gly171Arg). This variant is not present in population databases (gnomAD no frequency). This variant has not been reported in the literature in individuals affected with FBN1-related conditions. ClinVar contains an entry for this variant (Variation ID: 581628). Advanced modeling of protein sequence and biophysical properties (such as structural, functional, and spatial information, amino acid conservation, physicochemical variation, residue mobility, and thermodynamic stability) performed at Invitae indicates that this missense variant is expected to disrupt FBN1 protein function with a positive predictive value of 95%. In summary, the available evidence is currently insufficient to determine the role of this variant in disease. Therefore, it has been classified as a Variant of Uncertain Significance.